The following is an entry in ClinVar:

ClinVar aggregate classification (germline): Uncertain significance (1 of 4 stars; one submission).

Conditions:
Woodhouse-Sakati syndrome. Also called: Hypogonadism, Alopecia, Diabetes Mellitus, Mental Retardation, and Extrapyramidal Syndrome; EXTRAPYRAMIDAL DISORDER, PROGRESSIVE, WITH PRIMARY HYPOGONADISM, MENTAL RETARDATION, AND ALOPECIA; Hypogonadism, diabetes mellitus, alopecia, mental retardation and electrocardiographic abnormalities. Identifiers: Orphanet 3464, MedGen C0342286, MONDO:0009419, OMIM 241080.

gnomAD v4.1: 1 of 1,612,168 alleles (0.000062%); highest among the groups gnomAD compares: Non-Finnish European, 0.000085%; no homozygotes.

Submission:

Labcorp Genetics (formerly Invitae), Labcorp
Classification: Uncertain significance for Woodhouse-Sakati syndrome. Last evaluated: 2022-10-29. Review status: criteria provided, single submitter. Criteria: Invitae Variant Classification Sherloc (09022015). Collection method: clinical testing. Allele origin: germline.
Comment: This variant has not been reported in the literature in individuals affected with DCAF17-related conditions. This variant is present in population databases (rs756053962, gnomAD 0.0009%). This sequence change replaces arginine, which is basic and polar, with proline, which is neutral and non-polar, at codon 132 of the DCAF17 protein (p.Arg132Pro). Advanced modeling of protein sequence and biophysical properties (such as structural, functional, and spatial information, amino acid conservation, physicochemical variation, residue mobility, and thermodynamic stability) performed at Invitae indicates that this missense variant is expected to disrupt DCAF17 protein function. In summary, the available evidence is currently insufficient to determine the role of this variant in disease. Therefore, it has been classified as a Variant of Uncertain Significance.

NM_025000.4(DCAF17):c.395G>C (p.Arg132Pro)

Gene: DCAF17 (DDB1 and CUL4 associated factor 17; plus strand). Cytogenetic location: 2q31.1.
Variant type: single nucleotide variant.
Coding change: c.395G>C on transcript NM_025000.4 (MANE Select); coding-DNA position 395, G replaced by C.
Protein change: p.Arg132Pro; replaces arginine 132 with proline.
Molecular consequence: missense variant. On other transcripts: non-coding transcript variant (1).
Genome position (GRCh38, 1-based): chr2:171,448,754, G>C. VCF-style: chr2-171448754-G-C. GRCh37 (hg19) VCF-style: chr2-172305264-G-C.
Other names: c.395G>C, p.Arg132Pro (NM_001164821.2); short protein forms R132P.
Identifiers: ClinVar variation 2115601 (VCV002115601.4), dbSNP rs756053962, ClinGen allele CA1964658.